The following is an entry in ClinVar:

NM_017570.5(OPLAH):c.2510C>T (p.Pro837Leu)

Gene: OPLAH (5-oxoprolinase, ATP-hydrolysing; minus strand). Cytogenetic location: 8q24.3.
Variant type: single nucleotide variant.
Coding change: c.2510C>T on transcript NM_017570.5 (MANE Select); coding-DNA position 2510, C replaced by T.
Protein change: p.Pro837Leu; replaces proline 837 with leucine.
Molecular consequence: missense variant.
Genome position (GRCh38, 1-based): chr8:144,054,813, G>A on the plus strand (C>T on the coding strand, the complement: OPLAH is on the minus strand). VCF-style: chr8-144054813-G-A. GRCh37 (hg19) VCF-style: chr8-145109716-G-A.
Other names: c.2510C>T (NM_017570.3); short protein forms P837L.
Identifiers: ClinVar variation 2169338 (VCV002169338.4), dbSNP rs781894813, ClinGen allele CA4931453.

ClinVar aggregate classification (germline): Uncertain significance. Review status: criteria provided, multiple submitters, no conflicts (2 of 4 stars). 2 submissions from 2 submitters: Uncertain significance (2). Last evaluated 2024-08-21.

Conditions:
5-Oxoprolinase deficiency (OPLAHD). Also called: 5-OXOPROLINURIA DUE TO 5-OXOPROLINASE DEFICIENCY. Identifiers: Orphanet 33572, MedGen C0268525, MONDO:0009825, OMIM 260005, HP:0040142.

Allele frequency attached by ClinVar (database versions not stated): gnomAD exomes 0.00001; ExAC 0.00002; TOPMed 0.00003; gnomAD 0.00004.
gnomAD v4.1: 19 of 1,612,070 alleles (0.0012%); highest among the groups gnomAD compares: Admixed American, 0.012%; no homozygotes.

Submissions (2):

Ambry Genetics
Classification: Uncertain significance. Last evaluated: 2024-08-21. Review status: criteria provided, single submitter. Criteria: Ambry Variant Classification Scheme 2023. Collection method: clinical testing. Allele origin: germline.

Labcorp Genetics (formerly Invitae), Labcorp
Classification: Uncertain significance for 5-Oxoprolinase deficiency. Last evaluated: 2024-02-24. Review status: criteria provided, single submitter. Criteria: Invitae Variant Classification Sherloc (09022015). Collection method: clinical testing. Allele origin: germline.
Comment: This sequence change replaces proline, which is neutral and non-polar, with leucine, which is neutral and non-polar, at codon 837 of the OPLAH protein (p.Pro837Leu). This variant is present in population databases (rs781894813, gnomAD 0.01%). This variant has not been reported in the literature in individuals affected with OPLAH-related conditions. ClinVar contains an entry for this variant (Variation ID: 2169338). Experimental studies and prediction algorithms are not available or were not evaluated, and the functional significance of this variant is currently unknown. In summary, the available evidence is currently insufficient to determine the role of this variant in disease. Therefore, it has been classified as a Variant of Uncertain Significance.